The following is an entry in ClinVar:

ClinVar aggregate classification (germline): Uncertain significance (1 of 4 stars; one submission).

Conditions:
Familial thoracic aortic aneurysm and aortic dissection (TAAD). Also called: Thoracic aortic aneurysms and dissections. Identifiers: Orphanet 91387, MedGen C4707243, MONDO:0019625.

Submission:

All of Us Research Program, National Institutes of Health
Classification: Uncertain significance for Familial thoracic aortic aneurysm and aortic dissection. Last evaluated: 2023-08-15. Review status: criteria provided, single submitter. Criteria: ACMG Guidelines, 2015. Collection method: clinical testing. Allele origin: germline. Inheritance: Autosomal dominant inheritance. Observed: 1 variant allele, 1 heterozygote.
Comment: This study involves interpretation of variants in research participants for the purpose of population health screening. Participant phenotype was not available at the time of variant classification. Additional details can be found in publication PMID: 35346344, PMCID: PMC8962531

NM_002474.3(MYH11):c.832G>A (p.Glu278Lys)

Gene: MYH11 (myosin heavy chain 11; minus strand). Cytogenetic location: 16p13.11.
Variant type: single nucleotide variant.
Coding change: c.832G>A on transcript NM_002474.3 (MANE Select); coding-DNA position 832, G replaced by A.
Protein change: p.Glu278Lys; replaces glutamic acid 278 with lysine.
Molecular consequence: missense variant.
Genome position (GRCh38, 1-based): chr16:15,776,135, C>T on the plus strand (G>A on the coding strand, the complement: MYH11 is on the minus strand). VCF-style: chr16-15776135-C-T. GRCh37 (hg19) VCF-style: chr16-15869992-C-T.
Other names: c.853G>A, p.Glu285Lys (NM_001040113.2, NM_001040114.2); c.832G>A, p.Glu278Lys (NM_022844.3); short protein forms E278K, E285K.
Identifiers: ClinVar variation 3072840 (VCV003072840.1), dbSNP rs2506551037, ClinGen allele CA394869551.